The following is an entry in ClinVar:

ClinVar aggregate classification (germline): Uncertain significance (1 of 4 stars; one submission).

Conditions:
Generalized epilepsy-paroxysmal dyskinesia syndrome (PNKD3). Also called: Generalized epilepsy and paroxysmal dyskinesia; Paroxysmal nonkinesigenic dyskinesia, 3, with or without generalized epilepsy. Identifiers: Orphanet 79137, MedGen C5574945, MONDO:0012276, OMIM 609446.

Submission:

Labcorp Genetics (formerly Invitae), Labcorp
Classification: Uncertain significance for Generalized epilepsy-paroxysmal dyskinesia syndrome. Last evaluated: 2024-02-19. Review status: criteria provided, single submitter. Criteria: Invitae Variant Classification Sherloc (09022015). Collection method: clinical testing. Allele origin: germline.
Comment: This sequence change replaces asparagine, which is neutral and polar, with lysine, which is basic and polar, at codon 505 of the KCNMA1 protein (p.Asn505Lys). This variant is not present in population databases (gnomAD no frequency). This variant has not been reported in the literature in individuals affected with KCNMA1-related conditions. Advanced modeling of protein sequence and biophysical properties (such as structural, functional, and spatial information, amino acid conservation, physicochemical variation, residue mobility, and thermodynamic stability) performed at Invitae indicates that this missense variant is expected to disrupt KCNMA1 protein function with a positive predictive value of 80%. In summary, the available evidence is currently insufficient to determine the role of this variant in disease. Therefore, it has been classified as a Variant of Uncertain Significance.

NM_001161352.2(KCNMA1):c.1515T>A (p.Asn505Lys)

Gene: KCNMA1 (potassium calcium-activated channel subfamily M alpha 1; minus strand). Cytogenetic location: 10q22.3.
Variant type: single nucleotide variant.
Coding change: c.1515T>A on transcript NM_001161352.2 (MANE Select); coding-DNA position 1515, T replaced by A.
Protein change: p.Asn505Lys; replaces asparagine 505 with lysine.
Molecular consequence: missense variant.
Genome position (GRCh38, 1-based): chr10:77,084,645, A>T on the plus strand (T>A on the coding strand, the complement: KCNMA1 is on the minus strand). VCF-style: chr10-77084645-A-T. GRCh37 (hg19) VCF-style: chr10-78844403-A-T.
Other names: c.1515T>A, p.Asn505Lys (NM_001014797.3, NM_001161353.2, NM_001271519.2 and 8 more transcripts); c.1353T>A, p.Asn451Lys (NM_001271518.2); c.975T>A, p.Asn325Lys (NM_001322838.2); short protein forms N325K, N451K, N505K.
Identifiers: ClinVar variation 2864799 (VCV002864799.3), dbSNP rs2153752159, ClinGen allele CA377406617.